The following is an entry in ClinVar:

NM_004341.5(CAD):c.5818C>A (p.Leu1940Met)

Gene: CAD (carbamoyl-phosphate synthetase 2, aspartate transcarbamylase, and dihydroorotase; plus strand). Cytogenetic location: 2p23.3.
Variant type: single nucleotide variant.
Coding change: c.5818C>A on transcript NM_004341.5 (MANE Select); coding-DNA position 5818, C replaced by A.
Protein change: p.Leu1940Met; replaces leucine 1940 with methionine.
Molecular consequence: missense variant.
Genome position (GRCh38, 1-based): chr2:27,241,331, C>A. VCF-style: chr2-27241331-C-A. GRCh37 (hg19) VCF-style: chr2-27464199-C-A.
Other names: c.5629C>A, p.Leu1877Met (NM_001306079.2); short protein forms L1877M, L1940M.
Identifiers: ClinVar variation 2014559 (VCV002014559.4), dbSNP rs2465363086, ClinGen allele CA346223687.

ClinVar aggregate classification (germline): Uncertain significance (1 of 4 stars; one submission).

Submission:

Labcorp Genetics (formerly Invitae), Labcorp
Classification: Uncertain significance. Last evaluated: 2021-11-28. Review status: criteria provided, single submitter. Criteria: Invitae Variant Classification Sherloc (09022015). Collection method: clinical testing. Allele origin: germline.
Comment: In summary, the available evidence is currently insufficient to determine the role of this variant in disease. Therefore, it has been classified as a Variant of Uncertain Significance. Algorithms developed to predict the effect of missense changes on protein structure and function are either unavailable or do not agree on the potential impact of this missense change (SIFT: "Deleterious"; PolyPhen-2: "Probably Damaging"; Align-GVGD: "Class C0"). This variant has not been reported in the literature in individuals affected with CAD-related conditions. This variant is not present in population databases (gnomAD no frequency). This sequence change replaces leucine, which is neutral and non-polar, with methionine, which is neutral and non-polar, at codon 1940 of the CAD protein (p.Leu1940Met).